The following is an entry in ClinVar:

ClinVar aggregate classification (germline): Benign. Review status: criteria provided, multiple submitters, no conflicts (2 of 4 stars). 8 submissions from 7 submitters: Benign (7). 1 of the submissions does not count toward it. Last evaluated 2026-02-04.

Conditions:
Cone-rod dystrophy 13 (CORD13). Identifiers: Orphanet 1872, MedGen C2750720, MONDO:0011987, OMIM 608194.
Leber congenital amaurosis 6 (LCA6). Identifiers: Orphanet 65, MedGen C1854260, MONDO:0013446, OMIM 613826.

Allele frequency attached by ClinVar (database versions not stated): TOPMed 0.16506; ESP Exome Variant Server 0.16793; gnomAD exomes 0.17193 and 0.15704; ExAC 0.22729; 1000 Genomes Project 0.13538; 1000 Genomes Project 30x 0.13804; gnomAD 0.15795 and 0.16008.
gnomAD v4.1: 271,425 of 1,583,980 alleles (17%); highest among the groups gnomAD compares: Middle Eastern, 25%; 25,153 homozygotes.

Submissions (8):

Labcorp Genetics (formerly Invitae), Labcorp
Classification: Benign for Leber congenital amaurosis 6; Cone-rod dystrophy 13. Last evaluated: 2026-02-04. Review status: criteria provided, single submitter. Criteria: Invitae Variant Classification Sherloc (09022015). Collection method: clinical testing. Allele origin: germline.

Blueprint Genetics
Classification: Benign. Last evaluated: 2024-11-28. Review status: criteria provided, single submitter. Criteria: ACMG Guidelines, 2015. Collection method: clinical testing. Allele origin: germline.

Illumina Laboratory Services, Illumina
Classification: Benign for Cone-rod dystrophy 13. Last evaluated: 2018-01-12. Review status: criteria provided, single submitter. Criteria: ICSL Variant Classification Criteria 13 December 2019. Collection method: clinical testing. Allele origin: germline.
Comment: This variant was observed in the ICSL laboratory as part of a predisposition screen in an ostensibly healthy population. It had not been previously curated by ICSL or reported in the Human Gene Mutation Database (HGMD: prior to June 1st, 2018), and was therefore a candidate for classification through an automated scoring system. Utilizing variant allele frequency, disease prevalence and penetrance estimates, and inheritance mode, an automated score was calculated to assess if this variant is too frequent to cause the disease. Based on the score and internal cut-off values, a variant classified as benign is not then subjected to further curation. The score for this variant resulted in a classification of benign for this disease.

Illumina Laboratory Services, Illumina
Classification: Benign for Leber congenital amaurosis 6. Last evaluated: 2018-01-12. Review status: criteria provided, single submitter. Criteria: ICSL Variant Classification Criteria 13 December 2019. Collection method: clinical testing. Allele origin: germline.
Comment: the same text as in the submission from Illumina Laboratory Services, Illumina above.

GeneDx
Classification: Benign. Last evaluated: 2015-03-03. Review status: criteria provided, single submitter. Criteria: GeneDx Variant Classification Process June 2021. Collection method: clinical testing. Allele origin: germline. Affected: yes.

Breakthrough Genomics
Classification: Benign. Review status: criteria provided, single submitter. Criteria: ACMG Guidelines, 2015. Collection method: not provided. Allele origin: germline. Inheritance: Autosomal recessive inheritance. Affected: yes.

PreventionGenetics, part of Exact Sciences
Classification: Benign. Review status: criteria provided, single submitter. Criteria: ACMG Guidelines, 2015. Collection method: clinical testing. Allele origin: germline.

Retina International
No classification provided. Review status: no classification provided. Collection method: not provided. Allele origin: not provided. Not counted in ClinVar's aggregate classification.

NM_020366.4(RPGRIP1):c.525A>G (p.Pro175=)

Gene: RPGRIP1 (RPGR interacting protein 1; plus strand). Cytogenetic location: 14q11.2.
Variant type: single nucleotide variant.
Coding change: c.525A>G on transcript NM_020366.4 (MANE Select); coding-DNA position 525, A replaced by G.
Protein change: p.Pro175=; no amino-acid change (proline 175 retained).
Molecular consequence: synonymous variant.
Genome position (GRCh38, 1-based): chr14:21,302,522, A>G. VCF-style: chr14-21302522-A-G. GRCh37 (hg19) VCF-style: chr14-21770681-A-G.
Identifiers: ClinVar variation 99826 (VCV000099826.19), dbSNP rs17792599, ClinGen allele CA227929.